The following is an entry in ClinVar:

ClinVar aggregate classification (germline): Pathogenic (1 of 4 stars; one submission).

Submission:

Labcorp Genetics (formerly Invitae), Labcorp
Classification: Pathogenic. Last evaluated: 2025-07-10. Review status: criteria provided, single submitter. Criteria: Invitae Variant Classification Sherloc (09022015). Collection method: clinical testing. Allele origin: germline.
Comment: This sequence change creates a premature translational stop signal (p.Leu93Glufs*163) in the TSPEAR gene. It is expected to result in an absent or disrupted protein product. Loss-of-function variants in TSPEAR are known to be pathogenic (PMID: 34042254). This variant is not present in population databases (gnomAD no frequency). This variant has not been reported in the literature in individuals affected with TSPEAR-related conditions. ClinVar contains an entry for this variant (Variation ID: 2793460). For these reasons, this variant has been classified as Pathogenic.

Literature cited by the submitters: PubMed 34042254.

NM_144991.3(TSPEAR):c.277_278del (p.Leu93fs)

Gene: TSPEAR (thrombospondin type laminin G domain and EAR repeats; minus strand). Cytogenetic location: 21q22.3.
Variant type: Deletion.
Coding change: c.277_278del on transcript NM_144991.3 (MANE Select); coding-DNA positions 277 to 278, 2 bases deleted (TT; older notation c.277_278delTT).
Protein change: p.Leu93fs; shifts the reading frame from leucine 93.
Molecular consequence: frameshift variant.
Genome position (GRCh38, 1-based): chr21:44,567,810-44,567,811, AA deleted on the plus strand (TT on the coding strand, the reverse complement: TSPEAR is on the minus strand); deleting any 2 consecutive bases within chr21:44,567,810-44,567,812 gives the same sequence; the c. name uses the placement nearest the transcript's 3' end. VCF-style (leftmost placement, unchanged base first): chr21-44567809-CAA-C. GRCh37 (hg19) VCF-style: chr21-45987693-CAA-C.
Other names: c.73_74del, p.Leu25fs (NM_001272037.2); short protein forms L25fs, L93fs.
Identifiers: ClinVar variation 2793460 (VCV002793460.3), dbSNP rs781978167, ClinGen allele CA2391712895.